The following is an entry in ClinVar:

NM_000181.4(GUSB):c.694A>G (p.Thr232Ala)

Gene: GUSB (glucuronidase beta; minus strand). Cytogenetic location: 7q11.21.
Variant type: single nucleotide variant.
Coding change: c.694A>G on transcript NM_000181.4 (MANE Select); coding-DNA position 694, A replaced by G.
Protein change: p.Thr232Ala; replaces threonine 232 with alanine.
Molecular consequence: missense variant. On other transcripts: non-coding transcript variant (1), intron variant (2).
Genome position (GRCh38, 1-based): chr7:65,979,429, T>C on the plus strand (A>G on the coding strand, the complement: GUSB is on the minus strand). VCF-style: chr7-65979429-T-C. GRCh37 (hg19) VCF-style: chr7-65444416-T-C.
Other names: c.124A>G, p.Thr42Ala (NM_001293104.2); c.67+795A>G (NM_001293105.2); c.474+405A>G (NM_001284290.2); c.694A>G (NM_000181.3); short protein forms T232A, T42A.
Identifiers: ClinVar variation 1437320 (VCV001437320.4), dbSNP rs1332406445, ClinGen allele CA367649214.
Genomic context (GRCh38, chr7:65,979,429, plus strand): 5'-CGCTGAGAGGATCCTACCAGAAGCCCTCACCACTGTCTTGCTCCACGCTGGTGGTGACGG[T>C]GATGTCATCGATGTAGGTGGTGGGTGTCGTGTACAGAAGTACAGACCGCTGCAGTCCAGC-3'
Protein context (NP_000172.2, residues 222-242): TTPTTYIDDI[Thr232Ala]VTTSVEQDSG

ClinVar aggregate classification (germline): Uncertain significance. Review status: criteria provided, multiple submitters, no conflicts (2 of 4 stars). 2 submissions from 2 submitters: Uncertain significance (2). Last evaluated 2023-07-05.

Conditions:
Inborn genetic diseases. Identifiers: MedGen C0950123, MeSH D030342.
Mucopolysaccharidosis type 7 (MPS7). Also called: BETA-GLUCURONIDASE DEFICIENCY; GUSB DEFICIENCY; SLY SYNDROME; MPS VII. Identifiers: Orphanet 584, MedGen C0085132, MONDO:0009662, OMIM 253220.

Allele frequency attached by ClinVar (database versions not stated): gnomAD exomes below 0.00001; TOPMed below 0.00001.
gnomAD v4.1: 1 of 1,613,886 alleles (0.000062%); highest among the groups gnomAD compares: Non-Finnish European, 0.000085%; no homozygotes.

Submissions (2):

Ambry Genetics
Classification: Uncertain significance for Inborn genetic diseases. Last evaluated: 2023-07-05. Review status: criteria provided, single submitter. Criteria: Ambry Variant Classification Scheme 2023. Collection method: clinical testing. Allele origin: germline.

Labcorp Genetics (formerly Invitae), Labcorp
Classification: Uncertain significance for Mucopolysaccharidosis type 7. Last evaluated: 2022-07-19. Review status: criteria provided, single submitter. Criteria: Invitae Variant Classification Sherloc (09022015). Collection method: clinical testing. Allele origin: germline.
Comment: This sequence change replaces threonine, which is neutral and polar, with alanine, which is neutral and non-polar, at codon 232 of the GUSB protein (p.Thr232Ala). This variant is present in population databases (no rsID available, gnomAD 0.0009%). This variant has not been reported in the literature in individuals affected with GUSB-related conditions. ClinVar contains an entry for this variant (Variation ID: 1437320). Algorithms developed to predict the effect of missense changes on protein structure and function (SIFT, PolyPhen-2, Align-GVGD) all suggest that this variant is likely to be tolerated. In summary, the available evidence is currently insufficient to determine the role of this variant in disease. Therefore, it has been classified as a Variant of Uncertain Significance.